The following is an entry in ClinVar:

ClinVar aggregate classification (germline): Uncertain significance. Review status: criteria provided, multiple submitters, no conflicts (2 of 4 stars). 2 submissions from 2 submitters: Uncertain significance (2). Last evaluated 2023-11-27.

Conditions:
Developmental and epileptic encephalopathy, 11 (DEE11). Also called: Early infantile epileptic encephalopathy 11. Identifiers: Orphanet 1934, MedGen C3150987, MONDO:0013388, OMIM 613721.
Seizures, benign familial infantile, 3 (BFIS3). Also called: CONVULSIONS, BENIGN FAMILIAL INFANTILE, 3; Familial neonatal seizures. Identifiers: Orphanet 140927, Orphanet 306, MedGen C1843140, MONDO:0011904, OMIM 607745.

gnomAD v4.1: 22 of 1,614,086 alleles (0.0014%); highest among the groups gnomAD compares: Non-Finnish European, 0.0019%; no homozygotes.

Submissions (2):

Labcorp Genetics (formerly Invitae), Labcorp
Classification: Uncertain significance for Seizures, benign familial infantile, 3; Developmental and epileptic encephalopathy, 11. Last evaluated: 2023-11-27. Review status: criteria provided, single submitter. Criteria: Invitae Variant Classification Sherloc (09022015). Collection method: clinical testing. Allele origin: germline.
Comment: This sequence change replaces glutamic acid, which is acidic and polar, with aspartic acid, which is acidic and polar, at codon 1111 of the SCN2A protein (p.Glu1111Asp). This variant is not present in population databases (gnomAD no frequency). This variant has not been reported in the literature in individuals affected with SCN2A-related conditions. ClinVar contains an entry for this variant (Variation ID: 1318698). Advanced modeling of protein sequence and biophysical properties (such as structural, functional, and spatial information, amino acid conservation, physicochemical variation, residue mobility, and thermodynamic stability) has been performed at Invitae for this missense variant, however the output from this modeling did not meet the statistical confidence thresholds required to predict the impact of this variant on SCN2A protein function. In summary, the available evidence is currently insufficient to determine the role of this variant in disease. Therefore, it has been classified as a Variant of Uncertain Significance.

GeneDx
Classification: Uncertain significance. Last evaluated: 2019-12-09. Review status: criteria provided, single submitter. Criteria: GeneDx Variant Classification Process June 2021. Collection method: clinical testing. Allele origin: germline. Affected: yes.
Comment: Not observed in large population cohorts (Lek et al., 2016); Missense variants in this gene are often considered pathogenic (Stenson et al., 2014); In silico analysis, which includes protein predictors and evolutionary conservation, supports a deleterious effect; Has not been previously published as pathogenic or benign to our knowledge; This substitution is predicted to be in the cytoplasmic loop between the second and third homologous domains

NM_001040142.2(SCN2A):c.3333A>T (p.Glu1111Asp)

Gene: SCN2A (sodium voltage-gated channel alpha subunit 2; plus strand). Cytogenetic location: 2q24.3.
Variant type: single nucleotide variant.
Coding change: c.3333A>T on transcript NM_001040142.2 (MANE Select); coding-DNA position 3333, A replaced by T.
Protein change: p.Glu1111Asp; replaces glutamic acid 1111 with aspartic acid.
Molecular consequence: missense variant.
Genome position (GRCh38, 1-based): chr2:165,354,605, A>T. VCF-style: chr2-165354605-A-T. GRCh37 (hg19) VCF-style: chr2-166211115-A-T.
Other names: c.3333A>T, p.Glu1111Asp (NM_001040143.2, NM_001371246.1, NM_001371247.1 and 1 more transcripts); short protein forms E1111D.
Identifiers: ClinVar variation 1318698 (VCV001318698.5), dbSNP rs2105337534, ClinGen allele CA349021917.